The following is an entry in ClinVar:

NM_001070.5(TUBG1):c.466C>T (p.Arg156Trp)

Gene: TUBG1 (tubulin gamma 1; plus strand). Cytogenetic location: 17q21.2.
Variant type: single nucleotide variant.
Coding change: c.466C>T on transcript NM_001070.5 (MANE Select); coding-DNA position 466, C replaced by T.
Protein change: p.Arg156Trp; replaces arginine 156 with tryptophan.
Molecular consequence: missense variant.
Genome position (GRCh38, 1-based): chr17:42,612,493, C>T. VCF-style: chr17-42612493-C-T. GRCh37 (hg19) VCF-style: chr17-40764511-C-T.
Other names: short protein forms R156W.
Identifiers: ClinVar variation 1336361 (VCV001336361.8), dbSNP rs748889906, ClinGen allele CA8579874.

ClinVar aggregate classification (germline): Uncertain significance. Review status: criteria provided, multiple submitters, no conflicts (2 of 4 stars). 2 submissions from 2 submitters: Uncertain significance (2). Last evaluated 2023-06-29.

Allele frequency attached by ClinVar (database versions not stated): gnomAD 0.00003 and 0.00004; TOPMed 0.00003; ExAC 0.00004; gnomAD exomes 0.00004 and 0.00005.

Submissions (2):

Labcorp Genetics (formerly Invitae), Labcorp
Classification: Uncertain significance. Last evaluated: 2023-06-29. Review status: criteria provided, single submitter. Criteria: Invitae Variant Classification Sherloc (09022015). Collection method: clinical testing. Allele origin: germline.
Comment: In summary, the available evidence is currently insufficient to determine the role of this variant in disease. Therefore, it has been classified as a Variant of Uncertain Significance. Advanced modeling of protein sequence and biophysical properties (such as structural, functional, and spatial information, amino acid conservation, physicochemical variation, residue mobility, and thermodynamic stability) performed at Invitae indicates that this missense variant is expected to disrupt TUBG1 protein function. ClinVar contains an entry for this variant (Variation ID: 1336361). This variant has not been reported in the literature in individuals affected with TUBG1-related conditions. This variant is present in population databases (rs748889906, gnomAD 0.01%). This sequence change replaces arginine, which is basic and polar, with tryptophan, which is neutral and slightly polar, at codon 156 of the TUBG1 protein (p.Arg156Trp).

Genetic Services Laboratory, University of Chicago
Classification: Uncertain significance. Last evaluated: 2017-10-25. Review status: criteria provided, single submitter. Criteria: ACMG Guidelines, 2015. Collection method: clinical testing. Allele origin: germline. Affected: no.